The following is an entry in ClinVar:

ClinVar aggregate classification (germline): Pathogenic/Likely pathogenic. Review status: criteria provided, multiple submitters, no conflicts (2 of 4 stars). 2 submissions from 2 submitters: Pathogenic (1); Likely pathogenic (1). Last evaluated 2024-03-25.

Conditions:
Complement hyperactivation-angiopathic thrombosis-protein-losing enteropathy syndrome. Also called: COMPLEMENT HYPERACTIVATION, ANGIOPATHIC THROMBOSIS, AND PROTEIN-LOSING ENTEROPATHY. Identifiers: Orphanet 566175, MedGen C4538570, MONDO:0009174, OMIM 226300.

Allele frequency attached by ClinVar (database versions not stated): gnomAD exomes 0.00001; ExAC 0.00002.
gnomAD v4.1: 10 of 1,614,226 alleles (0.00062%); highest among the groups gnomAD compares: South Asian, 0.0099%; no homozygotes.

Submissions (2):

Genomic Medicine Center of Excellence, King Faisal Specialist Hospital and Research Centre
Classification: Likely pathogenic for Complement hyperactivation-angiopathic thrombosis-protein-losing enteropathy syndrome. Last evaluated: 2024-03-25. Review status: criteria provided, single submitter. Criteria: ACMG Guidelines, 2015. Collection method: clinical testing. Allele origin: germline.

Neuberg Centre For Genomic Medicine, NCGM
Classification: Pathogenic for Complement hyperactivation-angiopathic thrombosis-protein-losing enteropathy syndrome. Review status: criteria provided, single submitter. Criteria: ACMG Guidelines, 2015. Collection method: clinical testing. Allele origin: germline. Inheritance: Autosomal recessive inheritance. Affected: yes.
Comment: The observed stop gained c.148G>T (p.Glu50Ter) variant in CD55 gene has been reported previously in individuals affected with CD55-related disorders (Storry and Lomas-Francis, 2021; Floch et al., 2022). The p.Glu50Ter variant has been reported with allele frequency of 0.001% in gnomAD Exomes. This variant has not been submitted to the ClinVar database. This sequence change creates a premature translational stop signal (p.Glu50Ter) in the CD55 gene. This variant is predicted to cause loss of normal protein function through protein truncation. Loss of function variants in CD55 gene have been previously reported to be pathogenic (Dho et al., 2018). For these reasons, this variant has been classified as Pathogenic.

NM_000574.5(CD55):c.148G>T (p.Glu50Ter)

Gene: CD55 (CD55 molecule (Cromer blood group); plus strand). Cytogenetic location: 1q32.2.
Variant type: single nucleotide variant.
Coding change: c.148G>T on transcript NM_000574.5 (MANE Select); coding-DNA position 148, G replaced by T.
Protein change: p.Glu50Ter; replaces glutamic acid 50 with a stop codon.
Molecular consequence: nonsense. On other transcripts: non-coding transcript variant (1).
Genome position (GRCh38, 1-based): chr1:207,322,429, G>T. VCF-style: chr1-207322429-G-T. GRCh37 (hg19) VCF-style: chr1-207495774-G-T.
Other names: c.148G>T, p.Glu50Ter (NM_001114752.3, NM_001300902.2, NM_001300903.2 and 1 more transcripts); short protein forms E50*.
Identifiers: ClinVar variation 3064847 (VCV003064847.2), dbSNP rs773074921, ClinGen allele CA1367911.